The following is an entry in ClinVar:

ClinVar aggregate classification (germline): Uncertain significance. Review status: criteria provided, multiple submitters, no conflicts (2 of 4 stars). 4 submissions from 4 submitters: Uncertain significance (4). Last evaluated 2024-04-29.

Conditions:
Inborn genetic diseases. Identifiers: MedGen C0950123, MeSH D030342.
Asphyxiating thoracic dystrophy 4 (SRTD4). Also called: SHORT-RIB THORACIC DYSPLASIA 4 WITH OR WITHOUT POLYDACTYLY; SHORT-RIB THORACIC DYSPLASIA 4. Identifiers: Orphanet 474, MedGen C3151185, MONDO:0013441, OMIM 613819.
Nephronophthisis 12 (NPHP12). Identifiers: Orphanet 655, MedGen C3151186, MONDO:0013442, OMIM 613820.
Jeune thoracic dystrophy. Also called: Jeune syndrome; Infantile thoracic dystrophy; Thoracic pelvic phalangeal dystrophy; Jeune's syndrome; Chondroectodermal dysplasia-like syndrome; Short-rib thoracic dysplasia. Identifiers: Orphanet 474, MedGen C0265275, MONDO:0018770.
Nephronophthisis. Also called: Juvenile Nephronophthisis. Identifiers: Orphanet 655, MedGen C0687120, MONDO:0019005, HP:0000090.

Allele frequency attached by ClinVar (database versions not stated): gnomAD exomes 0.00001; TOPMed 0.00001; gnomAD 0.00003.
gnomAD v4.1: 15 of 1,612,348 alleles (0.00093%); highest among the groups gnomAD compares: East Asian, 0.0089%; no homozygotes.

Submissions (4):

Blueprint Genetics
Classification: Uncertain significance. Last evaluated: 2024-04-29. Review status: criteria provided, single submitter. Criteria: ACMG Guidelines, 2015. Collection method: clinical testing. Allele origin: germline.

Fulgent Genetics
Classification: Uncertain significance for Asphyxiating thoracic dystrophy 4; Nephronophthisis 12. Last evaluated: 2024-04-23. Review status: criteria provided, single submitter. Criteria: ACMG Guidelines, 2015. Collection method: clinical testing. Allele origin: germline.

Labcorp Genetics (formerly Invitae), Labcorp
Classification: Uncertain significance for Jeune thoracic dystrophy; Nephronophthisis. Last evaluated: 2023-06-29. Review status: criteria provided, single submitter. Criteria: Invitae Variant Classification Sherloc (09022015). Collection method: clinical testing. Allele origin: germline.
Comment: This variant has not been reported in the literature in individuals affected with TTC21B-related conditions. In summary, the available evidence is currently insufficient to determine the role of this variant in disease. Therefore, it has been classified as a Variant of Uncertain Significance. Advanced modeling of protein sequence and biophysical properties (such as structural, functional, and spatial information, amino acid conservation, physicochemical variation, residue mobility, and thermodynamic stability) has been performed at Invitae for this missense variant, however the output from this modeling did not meet the statistical confidence thresholds required to predict the impact of this variant on TTC21B protein function. ClinVar contains an entry for this variant (Variation ID: 1966772). This variant is not present in population databases (gnomAD no frequency). This sequence change replaces tyrosine, which is neutral and polar, with aspartic acid, which is acidic and polar, at codon 18 of the TTC21B protein (p.Tyr18Asp).

Ambry Genetics
Classification: Uncertain significance for Inborn genetic diseases. Last evaluated: 2023-05-18. Review status: criteria provided, single submitter. Criteria: Ambry Variant Classification Scheme 2023. Collection method: clinical testing. Allele origin: germline.

NM_024753.5(TTC21B):c.52T>G (p.Tyr18Asp)

Gene: TTC21B (tetratricopeptide repeat domain 21B; minus strand). Cytogenetic location: 2q24.3.
Variant type: single nucleotide variant.
Coding change: c.52T>G on transcript NM_024753.5 (MANE Select); coding-DNA position 52, T replaced by G.
Protein change: p.Tyr18Asp; replaces tyrosine 18 with aspartic acid.
Molecular consequence: missense variant.
Genome position (GRCh38, 1-based): chr2:165,949,694, A>C on the plus strand (T>G on the coding strand, the complement: TTC21B is on the minus strand). VCF-style: chr2-165949694-A-C. GRCh37 (hg19) VCF-style: chr2-166806204-A-C.
Other names: c.52T>G (NM_024753.3); short protein forms Y18D.
Identifiers: ClinVar variation 1966772 (VCV001966772.7), dbSNP rs954912471, ClinGen allele CA59769376.